The following is an entry in ClinVar:

NM_002004.4(FDPS):c.657C>T (p.Tyr219=)

Genes: FDPS (farnesyl diphosphate synthase; plus strand), RUSC1-AS1 (RUSC1 antisense RNA 1; minus strand). Cytogenetic location: 1q22.
Variant type: single nucleotide variant.
Coding change: c.657C>T on transcript NM_002004.4 (MANE Select); coding-DNA position 657, C replaced by T.
Protein change: p.Tyr219=; no amino-acid change (tyrosine 219 retained).
Molecular consequence: synonymous variant.
Genome position (GRCh38, 1-based): chr1:155,318,264, C>T. VCF-style: chr1-155318264-C-T. GRCh37 (hg19) VCF-style: chr1-155288055-C-T.
Other names: c.657C>T, p.Tyr219= (NM_001135821.2); c.459C>T, p.Tyr153= (NM_001135822.2, NM_001242824.2, NM_001378424.1 and 1 more transcripts); c.144C>T, p.Tyr48= (NM_001242825.2).
Identifiers: ClinVar variation 3031303 (VCV003031303.2), dbSNP rs765430280, ClinGen allele CA1144699.

ClinVar aggregate classification (germline): Likely benign (0 of 4 stars; one submission).

Conditions:
FDPS-related disorder. Also called: FDPS-related condition.

Allele frequency attached by ClinVar (database versions not stated): gnomAD exomes below 0.00001; ExAC 0.00001.
gnomAD v4.1: 7 of 1,613,248 alleles (0.00043%); highest among the groups gnomAD compares: South Asian, 0.0044%; no homozygotes.

Submission:

PreventionGenetics, part of Exact Sciences
Classification: Likely benign for FDPS-related condition. Last evaluated: 2021-03-12. Review status: no assertion criteria provided. Collection method: clinical testing. Allele origin: germline.
Comment: This variant is classified as likely benign based on ACMG/AMP sequence variant interpretation guidelines (Richards et al. 2015 PMID: 25741868, with internal and published modifications).